The following is an entry in ClinVar:

ClinVar aggregate classification (germline): Uncertain significance (1 of 4 stars; one submission).

Submission:

Ambry Genetics
Classification: Uncertain significance. Last evaluated: 2023-04-08. Review status: criteria provided, single submitter. Criteria: Ambry Variant Classification Scheme 2023. Collection method: clinical testing. Allele origin: germline.
Comment: The p.S936C variant (also known as c.2807C>G), located in coding exon 14 of the NPAT gene, results from a C to G substitution at nucleotide position 2807. The serine at codon 936 is replaced by cysteine, an amino acid with dissimilar properties. This amino acid position is conserved. In addition, the in silico prediction for this alteration is inconclusive. Since supporting evidence is limited at this time, the clinical significance of this alteration remains unclear.

NM_002519.3(NPAT):c.2807C>G (p.Ser936Cys)

Gene: NPAT (nuclear protein, coactivator of histone transcription; minus strand). Cytogenetic location: 11q22.3.
Variant type: single nucleotide variant.
Coding change: c.2807C>G on transcript NM_002519.3 (MANE Select); coding-DNA position 2807, C replaced by G.
Protein change: p.Ser936Cys; replaces serine 936 with cysteine.
Molecular consequence: missense variant.
Genome position (GRCh38, 1-based): chr11:108,170,022, G>C on the plus strand (C>G on the coding strand, the complement: NPAT is on the minus strand). VCF-style: chr11-108170022-G-C. GRCh37 (hg19) VCF-style: chr11-108040749-G-C.
Other names: c.2807C>G, p.Ser936Cys (NM_001321307.1); short protein forms S936C.
Identifiers: ClinVar variation 2567969 (VCV002567969.2), dbSNP rs754692502, ClinGen allele CA382512188.